The following is an entry in ClinVar:

ClinVar aggregate classification (germline): Uncertain significance (1 of 4 stars; one submission).

Conditions:
Tuberous sclerosis 1 (TSC1). Identifiers: Orphanet 805, MedGen C1854465, MONDO:0008612, OMIM 191100.

Submission:

Labcorp Genetics (formerly Invitae), Labcorp
Classification: Uncertain significance for Tuberous sclerosis 1. Last evaluated: 2023-12-16. Review status: criteria provided, single submitter. Criteria: Invitae Variant Classification Sherloc (09022015). Collection method: clinical testing. Allele origin: germline.
Comment: This sequence change replaces threonine, which is neutral and polar, with asparagine, which is neutral and polar, at codon 1020 of the TSC1 protein (p.Thr1020Asn). This variant is not present in population databases (gnomAD no frequency). This variant has not been reported in the literature in individuals affected with TSC1-related conditions. Advanced modeling of protein sequence and biophysical properties (such as structural, functional, and spatial information, amino acid conservation, physicochemical variation, residue mobility, and thermodynamic stability) performed at Invitae indicates that this missense variant is not expected to disrupt TSC1 protein function with a negative predictive value of 95%. In summary, the available evidence is currently insufficient to determine the role of this variant in disease. Therefore, it has been classified as a Variant of Uncertain Significance.

NM_000368.5(TSC1):c.3059C>A (p.Thr1020Asn)

Gene: TSC1 (TSC complex subunit 1; minus strand). Cytogenetic location: 9q34.13.
Variant type: single nucleotide variant.
Coding change: c.3059C>A on transcript NM_000368.5 (MANE Select); coding-DNA position 3059, C replaced by A.
Protein change: p.Thr1020Asn; replaces threonine 1020 with asparagine.
Molecular consequence: missense variant. On other transcripts: non-coding transcript variant (5).
Genome position (GRCh38, 1-based): chr9:132,896,671, G>T on the plus strand (C>A on the coding strand, the complement: TSC1 is on the minus strand). VCF-style: chr9-132896671-G-T. GRCh37 (hg19) VCF-style: chr9-135772058-G-T.
Other names: c.3056C>A, p.Thr1019Asn (NM_001162426.2, NM_001406600.1, NM_001406597.1 and 2 more transcripts); c.3044C>A, p.Thr1015Asn (NM_001406601.1, NM_001406602.1); c.3041C>A, p.Thr1014Asn (NM_001406603.1, NM_001406604.1); c.3017C>A, p.Thr1006Asn (NM_001406605.1, NM_001406606.1, NM_001406607.1); c.3014C>A, p.Thr1005Asn (NM_001406608.1, NM_001406609.1); c.2906C>A, p.Thr969Asn (NM_001406610.1, NM_001162427.2); c.2693C>A, p.Thr898Asn (NM_001406623.1, NM_001406620.1, NM_001406621.1 and 1 more transcripts); c.2654C>A, p.Thr885Asn (NM_001406624.1); and 8 more; short protein forms T884N, T898N, T968N, T1014N, T1020N, T703N, T899N, T1005N.
Identifiers: ClinVar variation 2712624 (VCV002712624.3), dbSNP rs1060503214, ClinGen allele CA375367655.